The following is an entry in ClinVar:

ClinVar aggregate classification (germline): Uncertain significance (1 of 4 stars; one submission).

Conditions:
Autosomal recessive limb-girdle muscular dystrophy type 2O. Also called: Limb-Girdle Muscular Dystrophy Type 3C; MUSCULAR DYSTROPHY-DYSTROGLYCANOPATHY (LIMB-GIRDLE), TYPE C, 3; MUSCULAR DYSTROPHY-DYSTROGLYCANOPATHY, LIMB-GIRDLE, POMGNT1-RELATED. Identifiers: Orphanet 206564, MedGen C3150417, MONDO:0013161, OMIM 613157.
Muscular dystrophy-dystroglycanopathy (congenital with impaired intellectual development), type B, 3. Also called: Muscular dystrophy-dystroglycanopathy (congenital with intellectual disability), type B3; MUSCULAR DYSTROPHY, CONGENITAL, POMGNT1-RELATED. Identifiers: MedGen C3150412, MONDO:0013155, OMIM 613151.

Allele frequency attached by ClinVar (database versions not stated): gnomAD 0.00001; gnomAD exomes 0.00001; TOPMed 0.00001.
gnomAD v4.1: 4 of 1,613,742 alleles (0.00025%); highest among the groups gnomAD compares: Non-Finnish European, 0.00034%; no homozygotes.

Submission:

Labcorp Genetics (formerly Invitae), Labcorp
Classification: Uncertain significance for Autosomal recessive limb-girdle muscular dystrophy type 2O; Muscular dystrophy-dystroglycanopathy (congenital with impaired intellectual development), type B, 3. Last evaluated: 2022-01-02. Review status: criteria provided, single submitter. Criteria: Invitae Variant Classification Sherloc (09022015). Collection method: clinical testing. Allele origin: germline.
Comment: This sequence change replaces glutamic acid, which is acidic and polar, with lysine, which is basic and polar, at codon 551 of the POMGNT1 protein (p.Glu551Lys). This variant is not present in population databases (gnomAD no frequency). This variant has not been reported in the literature in individuals affected with POMGNT1-related conditions. Algorithms developed to predict the effect of missense changes on protein structure and function (SIFT, PolyPhen-2, Align-GVGD) all suggest that this variant is likely to be tolerated. In summary, the available evidence is currently insufficient to determine the role of this variant in disease. Therefore, it has been classified as a Variant of Uncertain Significance.

NM_017739.4(POMGNT1):c.1651G>A (p.Glu551Lys)

Genes: TSPAN1 (tetraspanin 1; plus strand), POMGNT1 (protein O-linked mannose N-acetylglucosaminyltransferase 1 (beta 1,2-); minus strand). Cytogenetic location: 1p34.1.
Variant type: single nucleotide variant.
Coding change: c.1651G>A on transcript NM_017739.4 (MANE Select); coding-DNA position 1651, G replaced by A.
Protein change: p.Glu551Lys; replaces glutamic acid 551 with lysine.
Molecular consequence: missense variant.
Genome position (GRCh38, 1-based): chr1:46,189,988, C>T on the plus strand (G>A on the coding strand, the complement: POMGNT1 is on the minus strand). VCF-style: chr1-46189988-C-T. GRCh37 (hg19) VCF-style: chr1-46655660-C-T.
Other names: c.1651G>A, p.Glu551Lys (NM_001243766.2, NM_001410783.1); c.1585G>A, p.Glu529Lys (NM_001290129.3); c.1222G>A, p.Glu408Lys (NM_001290130.2); short protein forms E408K, E551K, E529K.
Identifiers: ClinVar variation 2050361 (VCV002050361.1), dbSNP rs1657626753, ClinGen allele CA340171657.
Genomic context (GRCh38, chr1:46,189,988, plus strand): 5'-CTGTGTCTGGCAGGAAAGAGTCTTCACAAGGGTTCTTGCTGTGGTCCAGAACCTCAGCCT[C>T]ACTGCAGTAGAGGGTGGGAGAATATAGCCAAGACAGGGCCCACTTCATGGGTGTGTCCCA-3'
Protein context (NP_060209.4, residues 541-561): YEVEVHRLLS[Glu551Lys]AEVLDHSKNP